The following is an entry in ClinVar:

NM_016203.4(PRKAG2):c.1114G>C (p.Asp372His)

Gene: PRKAG2 (protein kinase AMP-activated non-catalytic subunit gamma 2; minus strand). Cytogenetic location: 7q36.1.
Variant type: single nucleotide variant.
Coding change: c.1114G>C on transcript NM_016203.4 (MANE Select); coding-DNA position 1114, G replaced by C.
Protein change: p.Asp372His; replaces aspartic acid 372 with histidine.
Molecular consequence: missense variant.
Genome position (GRCh38, 1-based): chr7:151,568,835, C>G on the plus strand (G>C on the coding strand, the complement: PRKAG2 is on the minus strand). VCF-style: chr7-151568835-C-G. GRCh37 (hg19) VCF-style: chr7-151265921-C-G.
Other names: c.982G>C, p.Asp328His (NM_001040633.2); c.739G>C, p.Asp247His (NM_001304527.2); c.391G>C, p.Asp131His (NM_001304531.2, NM_024429.2); c.742G>C, p.Asp248His (NM_001363698.2); short protein forms D131H, D247H, D328H, D372H, D248H.
Identifiers: ClinVar variation 1473174 (VCV001473174.9), dbSNP rs760826751, ClinGen allele CA053682.

ClinVar aggregate classification (germline): Uncertain significance. Review status: criteria provided, multiple submitters, no conflicts (2 of 4 stars). 2 submissions from 2 submitters: Uncertain significance (2). Last evaluated 2023-05-31.

Conditions:
Hypertrophic cardiomyopathy. Also called: HYPERTROPHIC MYOCARDIOPATHY. Identifiers: Orphanet 217569, MedGen C0007194, MeSH D002312, MONDO:0005045, HP:0001639.
Lethal congenital glycogen storage disease of heart. Also called: GLYCOGEN STORAGE DISEASE OF HEART; PHOSPHORYLASE KINASE DEFICIENCY OF HEART. Identifiers: Orphanet 439854, MedGen C1849813, MONDO:0009867, OMIM 261740.

Allele frequency attached by ClinVar (database versions not stated): ExAC 0.00001.
gnomAD v4.1: 1 of 1,613,772 alleles (0.000062%); no homozygotes.

Submissions (2):

All of Us Research Program, National Institutes of Health
Classification: Uncertain significance for Hypertrophic cardiomyopathy. Last evaluated: 2023-05-31. Review status: criteria provided, single submitter. Criteria: ACMG Guidelines, 2015. Collection method: clinical testing. Allele origin: germline. Inheritance: Autosomal dominant inheritance. Observed: 1 variant allele, 1 heterozygote.
Comment: This study involves interpretation of variants in research participants for the purpose of population health screening. Participant phenotype was not available at the time of variant classification. Additional details can be found in publication PMID: 35346344, PMCID: PMC8962531

Labcorp Genetics (formerly Invitae), Labcorp
Classification: Uncertain significance for Lethal congenital glycogen storage disease of heart. Last evaluated: 2021-03-23. Review status: criteria provided, single submitter. Criteria: Invitae Variant Classification Sherloc (09022015). Collection method: clinical testing. Allele origin: germline.
Comment: This variant has not been reported in the literature in individuals with PRKAG2-related conditions. This variant is present in population databases (rs760826751, ExAC 0.001%). This sequence change replaces aspartic acid with histidine at codon 372 of the PRKAG2 protein (p.Asp372His). The aspartic acid residue is highly conserved and there is a moderate physicochemical difference between aspartic acid and histidine. Advanced modeling of protein sequence and biophysical properties (such as structural, functional, and spatial information, amino acid conservation, physicochemical variation, residue mobility, and thermodynamic stability) performed at Invitae indicates that this missense variant is expected to disrupt PRKAG2 protein function. In summary, the available evidence is currently insufficient to determine the role of this variant in disease. Therefore, it has been classified as a Variant of Uncertain Significance.